The following is an entry in ClinVar:

ClinVar aggregate classification (germline): Uncertain significance (1 of 4 stars; one submission).

Allele frequency attached by ClinVar (database versions not stated): gnomAD 0.00001.
gnomAD v4.1: 2 of 1,613,812 alleles (0.00012%); highest among the groups gnomAD compares: Non-Finnish European, 0.00017%; no homozygotes.

Submission:

Labcorp Genetics (formerly Invitae), Labcorp
Classification: Uncertain significance. Last evaluated: 2023-07-03. Review status: criteria provided, single submitter. Criteria: Invitae Variant Classification Sherloc (09022015). Collection method: clinical testing. Allele origin: germline.
Comment: This sequence change replaces asparagine, which is neutral and polar, with isoleucine, which is neutral and non-polar, at codon 520 of the AGBL5 protein (p.Asn520Ile). This variant is present in population databases (no rsID available, gnomAD 0.007%). This variant has not been reported in the literature in individuals affected with AGBL5-related conditions. ClinVar contains an entry for this variant (Variation ID: 1060645). An algorithm developed to predict the effect of missense changes on protein structure and function (PolyPhen-2) suggests that this variant is likely to be disruptive. In summary, the available evidence is currently insufficient to determine the role of this variant in disease. Therefore, it has been classified as a Variant of Uncertain Significance.

NM_021831.6(AGBL5):c.1559A>T (p.Asn520Ile)

Gene: AGBL5 (AGBL carboxypeptidase 5; plus strand). Cytogenetic location: 2p23.3.
Variant type: single nucleotide variant.
Coding change: c.1559A>T on transcript NM_021831.6 (MANE Select); coding-DNA position 1559, A replaced by T.
Protein change: p.Asn520Ile; replaces asparagine 520 with isoleucine.
Molecular consequence: missense variant. On other transcripts: non-coding transcript variant (2).
Genome position (GRCh38, 1-based): chr2:27,057,326, A>T. VCF-style: chr2-27057326-A-T. GRCh37 (hg19) VCF-style: chr2-27280194-A-T.
Other names: c.1559A>T, p.Asn520Ile (NM_001035507.3); short protein forms N520I.
Identifiers: ClinVar variation 1060645 (VCV001060645.9), dbSNP rs1385724696, ClinGen allele CA346183584.
Genomic context (GRCh38, chr2:27,057,326, plus strand): 5'-TTCAGGCGGGACACTGATAAAGGTCTTTATGTCTTAGCTACACACTTGAATGCAACTACA[A>T]CACTGGACGCTCAGTAAACAGCATCCCTGCTGCCTGCCATGACAATGGGCGTGCCAGCCC-3'
Protein context (NP_068603.4, residues 510-530): IHSYTLECNY[Asn520Ile]TGRSVNSIPA